The following is an entry in ClinVar:

ClinVar aggregate classification (germline): Likely pathogenic (1 of 4 stars; one submission).

Conditions:
Achromatopsia 3 (ACHM3). Also called: TOTAL COLORBLINDNESS WITH MYOPIA; ROD MONOCHROMACY 1; ROD MONOCHROMATISM 1; PINGELAPESE BLINDNESS; ACHROMATOPSIA WITH MYOPIA. Identifiers: Orphanet 49382, MedGen C1849792, MONDO:0009875, OMIM 262300.

Submission:

Myriad Genetics, Inc.
Classification: Likely pathogenic for Achromatopsia 3. Last evaluated: 2022-02-03. Review status: criteria provided, single submitter. Criteria: Myriad Women's Health Autosomal Recessive and X-Linked Classification Criteria (2021). Collection method: clinical testing. Allele origin: unknown.
Comment: NM_019098.4(CNGB3):c.1025_1026delAG(E342Vfs*25) is expected to be pathogenic in the context of CNGB3-related achromatopsia. This variant is predicted to lead to an abnormal or absent protein product due to the creation of a premature termination codon in CNGB3, a gene where loss-of-function variants are known to be pathogenic. Please note: this variant was assessed in the context of healthy population screening.

NM_019098.5(CNGB3):c.1025_1026del (p.Glu342fs)

Gene: CNGB3 (cyclic nucleotide gated channel subunit beta 3; minus strand). Cytogenetic location: 8q21.3.
Variant type: Microsatellite.
Coding change: c.1025_1026del on transcript NM_019098.5 (MANE Select); coding-DNA positions 1025 to 1026, 2 bases deleted (AG; older notation c.1025_1026delAG).
Protein change: p.Glu342fs; shifts the reading frame from glutamic acid 342.
Molecular consequence: frameshift variant.
Genome position (GRCh38, 1-based): chr8:86,644,651-86,644,652, CT deleted on the plus strand (AG on the coding strand, the reverse complement: CNGB3 is on the minus strand); deleting any 2 consecutive bases within chr8:86,644,651-86,644,654 gives the same sequence; the c. name uses the placement nearest the transcript's 3' end. VCF-style (leftmost placement, unchanged base first): chr8-86644650-ACT-A. GRCh37 (hg19) VCF-style: chr8-87656878-ACT-A.
Other names: short protein forms E342fs.
Identifiers: ClinVar variation 1724275 (VCV001724275.2), dbSNP rs2538099917, ClinGen allele CA2580617185.
Genomic context (GRCh38, chr8:86,644,650, plus strand): 5'-CCTTCCCCCAAGTATACTGAGTTATACTTTACCTGTAGATATATGCTTTGTCCATTATAG[ACT>A]CTAGGTGATGATTAAATTCAAAAAATGAAGTGTACTATATAGAAAAGCAAAAGAAATCCA-3'